The following is an entry in ClinVar:

NM_000135.4(FANCA):c.3496A>C (p.Ile1166Leu)

Gene: FANCA (FA complementation group A; minus strand). Cytogenetic location: 16q24.3.
Variant type: single nucleotide variant.
Coding change: c.3496A>C on transcript NM_000135.4 (MANE Select); coding-DNA position 3496, A replaced by C.
Protein change: p.Ile1166Leu; replaces isoleucine 1166 with leucine.
Molecular consequence: missense variant.
Genome position (GRCh38, 1-based): chr16:89,746,601, T>G on the plus strand (A>C on the coding strand, the complement: FANCA is on the minus strand). VCF-style: chr16-89746601-T-G. GRCh37 (hg19) VCF-style: chr16-89813009-T-G.
Other names: c.3496A>C, p.Ile1166Leu (NM_001286167.3); short protein forms I1166L.
Identifiers: ClinVar variation 2622729 (VCV002622729.3), dbSNP rs1567601223, ClinGen allele CA397485849.
Genomic context (GRCh38, chr16:89,746,601, plus strand): 5'-ACTCATCCCCAAAACAAAACACCAAACAAGACAGCTGACCCACCAGAGCAGAGGTCAAAA[T>G]TAAGGGGCATTTCGTCTGGCACTTGGCCAGTATGAAGTCGACCATCAGGGAGGGGTCTCT-3'
Protein context (NP_000126.2, residues 1156-1176): LAKCQTKCPL[Ile1166Leu]LTSALVWWPS

ClinVar aggregate classification (germline): Uncertain significance (1 of 4 stars; one submission).

Conditions:
Inborn genetic diseases. Identifiers: MedGen C0950123, MeSH D030342.

Submission:

Ambry Genetics
Classification: Uncertain significance for Inborn genetic diseases. Last evaluated: 2026-06-28. Review status: criteria provided, single submitter. Criteria: Ambry Variant Classification Scheme 2023. Collection method: clinical testing. Allele origin: germline.
Comment: The p.I1166L variant (also known as c.3496A>C), located in coding exon 35 of the FANCA gene, results from an A to C substitution at nucleotide position 3496. The isoleucine at codon 1166 is replaced by leucine, an amino acid with highly similar properties. This amino acid position is conserved. In addition, this alteration is predicted to be tolerated by in silico analysis. Based on the available evidence, the clinical significance of this variant remains unclear.